The following is an entry in ClinVar:

ClinVar aggregate classification (germline): Uncertain significance (1 of 4 stars; one submission).

Submission:

Genetic Services Laboratory, University of Chicago
Classification: Uncertain significance. Last evaluated: 2021-11-22. Review status: criteria provided, single submitter. Criteria: ACMG Guidelines, 2015. Collection method: clinical testing. Allele origin: germline. Affected: no.
Comment: DNA sequence analysis of the LIG4 gene demonstrated a sequence change, c.26C>G, in exon 2 that results in an amino acid change, p.Thr9Ser. This sequence change does not appear to have been previously described in individuals with LIG4-related disorders and has also not been described in population databases such as ExAC and gnomAD. The p.Thr9Ser change affects a moderately conserved amino acid residue located in a domain of the LIG4 protein that is known to be functional. The p.Thr9Ser substitution appears to be benign using several in-silico pathogenicity prediction tools (SIFT, PolyPhen2, Align GVGD, REVEL). Due to insufficient evidences and the lack of functional studies, the clinical significance of the p.Thr9Ser change remains unknown at this time.

NM_206937.2(LIG4):c.26C>G (p.Thr9Ser)

Gene: LIG4 (DNA ligase 4; minus strand). Cytogenetic location: 13q33.3.
Variant type: single nucleotide variant.
Coding change: c.26C>G on transcript NM_206937.2 (MANE Select); coding-DNA position 26, C replaced by G.
Protein change: p.Thr9Ser; replaces threonine 9 with serine.
Molecular consequence: missense variant. On other transcripts: intron variant (2).
Genome position (GRCh38, 1-based): chr13:108,211,243, G>C on the plus strand (C>G on the coding strand, the complement: LIG4 is on the minus strand). VCF-style: chr13-108211243-G-C. GRCh37 (hg19) VCF-style: chr13-108863591-G-C.
Other names: c.26C>G, p.Thr9Ser (NM_001098268.2, NM_001352598.2, NM_001352599.2 and 6 more transcripts); c.-149-27C>G (NM_001330595.2); c.89-27C>G (NM_001352604.2); short protein forms T9S.
Identifiers: ClinVar variation 1338155 (VCV001338155.4), dbSNP rs1805388, ClinGen allele CA388624833.